The following is an entry in ClinVar:

NM_006019.4(TCIRG1):c.2491dup (p.Ter831LeuextTer?)

Gene: TCIRG1 (T cell immune regulator 1, ATPase H+ transporting V0 subunit a3; plus strand). Cytogenetic location: 11q13.2.
Variant type: Duplication.
Coding change: c.2491dup on transcript NM_006019.4 (MANE Select); coding-DNA position 2491, one base duplicated (T; older notation c.2491dupT).
Protein change: p.Ter831LeuextTer?.
Molecular consequence: frameshift variant, stop lost.
Genome position (GRCh38, 1-based): chr11:68,050,817, T duplicated. VCF-style (leftmost placement, unchanged base first): chr11-68050816-C-CT. GRCh37 (hg19) VCF-style: chr11-67818283-C-CT.
Other names: c.1597dup, p.Ter533LeuextTer? (NM_001351059.2); c.1843dup, p.Ter615LeuextTer? (NM_006053.4).
Identifiers: ClinVar variation 3651367 (VCV003651367.2).

ClinVar aggregate classification (germline): Uncertain significance (1 of 4 stars; one submission).

Submission:

Labcorp Genetics (formerly Invitae), Labcorp
Classification: Uncertain significance. Last evaluated: 2024-06-02. Review status: criteria provided, single submitter. Criteria: Invitae Variant Classification Sherloc (09022015). Collection method: clinical testing. Allele origin: germline.
Comment: This sequence change disrupts the translational stop signal of the TCIRG1 mRNA. It is expected to extend the length of the TCIRG1 protein by 12 additional amino acid residues. This variant is not present in population databases (gnomAD no frequency). This variant has not been reported in the literature in individuals affected with TCIRG1-related conditions. Experimental studies and prediction algorithms are not available or were not evaluated, and the functional significance of this variant is currently unknown. In summary, the available evidence is currently insufficient to determine the role of this variant in disease. Therefore, it has been classified as a Variant of Uncertain Significance.